The following is an entry in ClinVar:

ClinVar aggregate classification (germline): Pathogenic. Review status: criteria provided, multiple submitters, no conflicts (2 of 4 stars). 2 submissions from 2 submitters: Pathogenic (2). Last evaluated 2022-05-02.

Conditions:
Juvenile myelomonocytic leukemia (JMML). Also called: LEUKEMIA, JUVENILE MYELOMONOCYTIC, SOMATIC. Identifiers: Orphanet 86834, MedGen C0349639, MONDO:0011908, OMIM 607785, HP:0012209.
Neurofibromatosis, type 1 (NF1). Also called: VON RECKLINGHAUSEN DISEASE; NEUROFIBROMATOSIS, TYPE I, SOMATIC; Peripheral type neurofibromatosis; Neurofibromatosis, type I. Identifiers: Orphanet 636, MedGen C0027831, MONDO:0018975, OMIM 162200. Disease mechanism: loss of function.

Submissions (2):

Baylor Genetics
Classification: Pathogenic for Juvenile myelomonocytic leukemia. Last evaluated: 2022-05-02. Review status: criteria provided, single submitter. Criteria: ACMG Guidelines, 2015. Collection method: clinical testing. Allele origin: unknown.

Labcorp Genetics (formerly Invitae), Labcorp
Classification: Pathogenic for Neurofibromatosis, type 1. Last evaluated: 2018-09-11. Review status: criteria provided, single submitter. Criteria: Invitae Variant Classification Sherloc (09022015). Collection method: clinical testing. Allele origin: germline.
Comment: For these reasons, this variant has been classified as Pathogenic. Loss-of-function variants in NF1 are known to be pathogenic (PMID: 10712197, 23913538). This variant has been observed in an individual affected with neurofibromatosis type 1 (PMID: 23913538). This variant is not present in population databases (ExAC no frequency). This sequence change creates a premature translational stop signal (p.Glu1769*) in the NF1 gene. It is expected to result in an absent or disrupted protein product.

Literature cited by the submitters: PubMed 10712197 (cited by Labcorp Genetics (formerly Invitae), Labcorp); PubMed 23913538 (cited by Labcorp Genetics (formerly Invitae), Labcorp).

NM_001042492.3(NF1):c.5368G>T (p.Glu1790Ter)

Gene: NF1 (neurofibromin 1; plus strand). Cytogenetic location: 17q11.2.
Variant type: single nucleotide variant.
Coding change: c.5368G>T on transcript NM_001042492.3 (MANE Select); coding-DNA position 5368, G replaced by T.
Protein change: p.Glu1790Ter; replaces glutamic acid 1790 with a stop codon.
Molecular consequence: nonsense.
Genome position (GRCh38, 1-based): chr17:31,327,598, G>T. VCF-style: chr17-31327598-G-T. GRCh37 (hg19) VCF-style: chr17-29654616-G-T.
Other names: c.5305G>T, p.Glu1769Ter (NM_000267.4); short protein forms E1790*, E1769*.
Identifiers: ClinVar variation 654733 (VCV000654733.6), dbSNP rs1597831990, ClinGen allele CA399009282.